The following is an entry in ClinVar:

ClinVar aggregate classification (germline): Likely pathogenic (0 of 4 stars; one submission).

Conditions:
Autosomal recessive ataxia, Beauce type. Also called: Spinocerebellar ataxia, autosomal recessive 8; ATAXIA, RECESSIVE, OF BEAUCE; SYNE1 Deficiency; SYNE1-Related Autosomal Recessive Cerebellar Ataxia. Identifiers: Orphanet 88644, MedGen C1853116, MONDO:0012549, OMIM 610743.

Submission:

Solve-RD Consortium
Classification: Likely pathogenic for Autosomal recessive ataxia, Beauce type. Last evaluated: 2022-06-01. Review status: no assertion criteria provided. Collection method: provider interpretation. Allele origin: inherited. Affected: yes.
Comment: Variant confirmed as disease-causing by referring clinical team

Variant identified during reanalysis of unsolved cases by the Solve-RD project. The Solve-RD project has received funding from the European Union’s Horizon 2020 research and innovation programme under grant agreement No 779257.

Literature cited by the submitters: PubMed 39825153.

NM_182961.4(SYNE1):c.23146-2A>G

Gene: SYNE1 (spectrin repeat containing nuclear envelope protein 1; minus strand). Cytogenetic location: 6q25.2.
Variant type: single nucleotide variant.
Coding change: c.23146-2A>G on transcript NM_182961.4 (MANE Select); the canonical splice acceptor site of the intron before coding-DNA position 23146, A replaced by G.
Molecular consequence: splice acceptor variant.
Genome position (GRCh38, 1-based): chr6:152,189,409, T>C on the plus strand (A>G on the coding strand, the complement: SYNE1 is on the minus strand). VCF-style: chr6-152189409-T-C. GRCh37 (hg19) VCF-style: chr6-152510544-T-C.
Other names: c.22933-2A>G (NM_033071.5).
Identifiers: ClinVar variation 3256786 (VCV003256786.1).